The following is an entry in ClinVar:

NM_001377458.1(CLCC1):c.382A>G (p.Ile128Val)

Gene: CLCC1 (chloride channel CLIC like 1; minus strand). Cytogenetic location: 1p13.3.
Variant type: single nucleotide variant.
Coding change: c.382A>G on transcript NM_001377458.1 (MANE Select); coding-DNA position 382, A replaced by G.
Protein change: p.Ile128Val; replaces isoleucine 128 with valine.
Molecular consequence: missense variant. On other transcripts: non-coding transcript variant (1), intron variant (3).
Genome position (GRCh38, 1-based): chr1:108,944,015, T>C on the plus strand (A>G on the coding strand, the complement: CLCC1 is on the minus strand). VCF-style: chr1-108944015-T-C. GRCh37 (hg19) VCF-style: chr1-109486637-T-C.
Other names: c.382A>G, p.Ile128Val (NM_001048210.3, NM_001377459.1, NM_001377460.1 and 8 more transcripts); c.280A>G, p.Ile94Val (NM_001377469.1); c.91A>G, p.Ile31Val (NM_001377470.1); c.340-108A>G (NM_015127.5); c.340-2517A>G (NM_001278202.2); c.339+3596A>G (NM_001278203.1); short protein forms I31V, I94V, I128V.
Identifiers: ClinVar variation 1441072 (VCV001441072.8), dbSNP rs2101656209, ClinGen allele CA341464453.

ClinVar aggregate classification (germline): Uncertain significance (1 of 4 stars; one submission).

Allele frequency attached by ClinVar (database versions not stated): gnomAD exomes 0.00001.
gnomAD v4.1: 12 of 1,613,014 alleles (0.00074%); highest among the groups gnomAD compares: Non-Finnish European, 0.00093%; no homozygotes.

Submission:

Labcorp Genetics (formerly Invitae), Labcorp
Classification: Uncertain significance. Last evaluated: 2025-09-02. Review status: criteria provided, single submitter. Criteria: Invitae Variant Classification Sherloc (09022015). Collection method: clinical testing. Allele origin: germline.
Comment: This sequence change replaces isoleucine, which is neutral and non-polar, with valine, which is neutral and non-polar, at codon 128 of the CLCC1 protein (p.Ile128Val). This variant is not present in population databases (gnomAD no frequency). This variant has not been reported in the literature in individuals affected with CLCC1-related conditions. ClinVar contains an entry for this variant (Variation ID: 1441072). An algorithm developed to predict the effect of missense changes on protein structure and function (PolyPhen-2) suggests that this variant is likely to be tolerated. In summary, the available evidence is currently insufficient to determine the role of this variant in disease. Therefore, it has been classified as a Variant of Uncertain Significance.